The following is an entry in ClinVar:

ClinVar aggregate classification (germline): Uncertain significance (1 of 4 stars; one submission).

Conditions:
Mevalonic aciduria (MEVA). Identifiers: Orphanet 29, MedGen C1959626, MONDO:0012481, OMIM 610377.
Hyperimmunoglobulin D with periodic fever (HIDS). Also called: Hyperimmunoglobulinemia D with periodic fever; HYPERIMMUNOGLOBULINEMIA D AND PERIODIC FEVER SYNDROME; Hyperimmunoglobulinemia D. Identifiers: Orphanet 343, MedGen C0398691, MONDO:0009849, OMIM 260920.
Porokeratosis 3, disseminated superficial actinic type (POROK3). Also called: POROKERATOSIS, DISSEMINATED SUPERFICIAL ACTINIC, 1; POROKERATOSIS 3, MULTIPLE TYPES; POROKERATOSIS 3, MIBELLI TYPE. Identifiers: MedGen C1867981, MONDO:0008293, OMIM 175900.

Submission:

Labcorp Genetics (formerly Invitae), Labcorp
Classification: Uncertain significance for Mevalonic aciduria; Hyperimmunoglobulin D with periodic fever; Porokeratosis 3, disseminated superficial actinic type. Last evaluated: 2024-05-12. Review status: criteria provided, single submitter. Criteria: Invitae Variant Classification Sherloc (09022015). Collection method: clinical testing. Allele origin: germline.
Comment: This sequence change replaces leucine, which is neutral and non-polar, with phenylalanine, which is neutral and non-polar, at codon 2 of the MVK protein (p.Leu2Phe). This variant is not present in population databases (gnomAD no frequency). This variant has not been reported in the literature in individuals affected with MVK-related conditions. An algorithm developed to predict the effect of missense changes on protein structure and function (PolyPhen-2) suggests that this variant is likely to be tolerated. In summary, the available evidence is currently insufficient to determine the role of this variant in disease. Therefore, it has been classified as a Variant of Uncertain Significance.

NM_000431.4(MVK):c.6G>C (p.Leu2Phe)

Gene: MVK (mevalonate kinase; plus strand). Cytogenetic location: 12q24.11.
Variant type: single nucleotide variant.
Coding change: c.6G>C on transcript NM_000431.4 (MANE Select); coding-DNA position 6, G replaced by C.
Protein change: p.Leu2Phe; replaces leucine 2 with phenylalanine.
Molecular consequence: missense variant. On other transcripts: non-coding transcript variant (4), intron variant (1).
Genome position (GRCh38, 1-based): chr12:109,574,828, G>C. VCF-style: chr12-109574828-G-C. GRCh37 (hg19) VCF-style: chr12-110012633-G-C.
Other names: c.6G>C, p.Leu2Phe (NM_001114185.3, NM_001301182.2, NM_001414511.1 and 3 more transcripts); c.-505+955G>C (NM_001414515.1); short protein forms L2F.
Identifiers: ClinVar variation 3749738 (VCV003749738.2).
Genomic context (GRCh38, chr12:109,574,828, plus strand): 5'-ATCTAGAGATCTTTGCTCTTCTCATTGGCTTTCCCTTTTAGGATTCCCAGGAGCCATGTT[G>C]TCAGAAGTCCTACTGGTGTCTGCTCCGGGGAAAGTCATCCTTCATGGAGAACATGCCGTG-3'
Protein context (NP_000422.1, residues 1-12): M[Leu2Phe]SEVLLVSAPG